The following is an entry in ClinVar:

NM_004385.5(VCAN):c.2656A>G (p.Thr886Ala)

Gene: VCAN (versican; plus strand). Cytogenetic location: 5q14.3.
Variant type: single nucleotide variant.
Coding change: c.2656A>G on transcript NM_004385.5 (MANE Select); coding-DNA position 2656, A replaced by G.
Protein change: p.Thr886Ala; replaces threonine 886 with alanine.
Molecular consequence: missense variant. On other transcripts: intron variant (2).
Genome position (GRCh38, 1-based): chr5:83,520,962, A>G. VCF-style: chr5-83520962-A-G. GRCh37 (hg19) VCF-style: chr5-82816781-A-G.
Other names: c.2656A>G, p.Thr886Ala (NM_001164098.2); c.1042+8566A>G (NM_001164097.2, NM_001126336.3); c.2656A>G (NM_004385.4); short protein forms T886A.
Identifiers: ClinVar variation 1044536 (VCV001044536.10), dbSNP rs138220992, ClinGen allele CA3332875.

ClinVar aggregate classification (germline): Conflicting classifications of pathogenicity. Review status: criteria provided, conflicting classifications (1 of 4 stars). 4 submissions from 4 submitters: Uncertain significance (2); Likely benign (1). 1 of the submissions does not count toward it. Last evaluated 2025-02-15.

Conditions:
Retinal dystrophy. Also called: Inherited retinal dystrophy. Identifiers: Orphanet 71862, MedGen C0854723, MeSH D058499, MONDO:0019118, HP:0000556.
Inborn genetic diseases. Identifiers: MedGen C0950123, MeSH D030342.

Allele frequency attached by ClinVar (database versions not stated): gnomAD exomes 0.00011 and 0.00029; ExAC 0.00014; 1000 Genomes Project 30x 0.00016; TOPMed 0.00016; 1000 Genomes Project 0.00020; gnomAD 0.00023; ESP Exome Variant Server 0.00031.

Submissions (4):

Labcorp Genetics (formerly Invitae), Labcorp
Classification: Uncertain significance. Last evaluated: 2025-02-15. Review status: criteria provided, single submitter. Criteria: Invitae Variant Classification Sherloc (09022015). Collection method: clinical testing. Allele origin: germline.
Comment: This sequence change replaces threonine, which is neutral and polar, with alanine, which is neutral and non-polar, at codon 886 of the VCAN protein (p.Thr886Ala). This variant is present in population databases (rs138220992, gnomAD 0.02%). This variant has not been reported in the literature in individuals affected with VCAN-related conditions. ClinVar contains an entry for this variant (Variation ID: 1044536). An algorithm developed to predict the effect of missense changes on protein structure and function outputs the following: PolyPhen-2: "Benign". The alanine amino acid residue is found in multiple mammalian species, which suggests that this missense change does not adversely affect protein function. In summary, the available evidence is currently insufficient to determine the role of this variant in disease. Therefore, it has been classified as a Variant of Uncertain Significance.

Blueprint Genetics
Classification: Likely benign. Last evaluated: 2024-09-03. Review status: criteria provided, single submitter. Criteria: ACMG Guidelines, 2015. Collection method: clinical testing. Allele origin: germline.

Ambry Genetics
Classification: Uncertain significance for Inborn genetic diseases. Last evaluated: 2022-04-08. Review status: criteria provided, single submitter. Criteria: Ambry Variant Classification Scheme 2023. Collection method: clinical testing. Allele origin: germline.

Institute of Human Genetics, Univ. Regensburg, Univ. Regensburg
Classification: Uncertain significance for Retinal dystrophy. Last evaluated: 2022-01-01. Review status: no assertion criteria provided. Criteria: ACMG Guidelines, 2015. Collection method: clinical testing. Allele origin: germline. Affected: yes. Not counted in ClinVar's aggregate classification.